The following is an entry in ClinVar:

ClinVar aggregate classification (germline): Uncertain significance (1 of 4 stars; one submission).

Conditions:
Kabuki syndrome. Also called: Kabuki make-up syndrome; NIIKAWA-KUROKI SYNDROME. Identifiers: Orphanet 2322, MedGen C0796004, MONDO:0016512.

Submission:

Labcorp Genetics (formerly Invitae), Labcorp
Classification: Uncertain significance for Kabuki syndrome. Last evaluated: 2022-10-31. Review status: criteria provided, single submitter. Criteria: Invitae Variant Classification Sherloc (09022015). Collection method: clinical testing. Allele origin: germline.
Comment: Advanced modeling of protein sequence and biophysical properties (such as structural, functional, and spatial information, amino acid conservation, physicochemical variation, residue mobility, and thermodynamic stability) performed at Invitae indicates that this missense variant is not expected to disrupt KMT2D protein function. In summary, the available evidence is currently insufficient to determine the role of this variant in disease. Therefore, it has been classified as a Variant of Uncertain Significance. This variant has not been reported in the literature in individuals affected with KMT2D-related conditions. This variant is not present in population databases (gnomAD no frequency). This sequence change replaces proline, which is neutral and non-polar, with histidine, which is basic and polar, at codon 3466 of the KMT2D protein (p.Pro3466His).

NM_003482.4(KMT2D):c.10397C>A (p.Pro3466His)

Gene: KMT2D (lysine methyltransferase 2D; minus strand). Cytogenetic location: 12q13.12.
Variant type: single nucleotide variant.
Coding change: c.10397C>A on transcript NM_003482.4 (MANE Select); coding-DNA position 10397, C replaced by A.
Protein change: p.Pro3466His; replaces proline 3466 with histidine.
Molecular consequence: missense variant.
Genome position (GRCh38, 1-based): chr12:49,034,625, G>T on the plus strand (C>A on the coding strand, the complement: KMT2D is on the minus strand). VCF-style: chr12-49034625-G-T. GRCh37 (hg19) VCF-style: chr12-49428408-G-T.
Other names: short protein forms P3466H.
Identifiers: ClinVar variation 2810060 (VCV002810060.3), dbSNP rs2498371004, ClinGen allele CA384729233.
Genomic context (GRCh38, chr12:49,034,625, plus strand): 5'-CCCACCTGACCACTTACCTGGCCACTCCCAGCTGCCACATGGTTCTGCAGATCACTGCTA[G>T]GTCCCCCCGAGAGCCTCTGGGCTAGCAGAGACACTTGCTGTCTGGAGTCCACCAAAGCAC-3'
Protein context (NP_003473.3, residues 3456-3476): SLLAQRLSGG[Pro3466His]SSDLQNHVAA